The following is an entry in ClinVar:

NM_020937.4(FANCM):c.2253C>A (p.His751Gln)

Gene: FANCM (FA complementation group M; plus strand). Cytogenetic location: 14q21.2.
Variant type: single nucleotide variant.
Coding change: c.2253C>A on transcript NM_020937.4 (MANE Select); coding-DNA position 2253, C replaced by A.
Protein change: p.His751Gln; replaces histidine 751 with glutamine.
Molecular consequence: missense variant.
Genome position (GRCh38, 1-based): chr14:45,173,147, C>A. VCF-style: chr14-45173147-C-A. GRCh37 (hg19) VCF-style: chr14-45642350-C-A.
Other names: c.2175C>A, p.His725Gln (NM_001308133.2); short protein forms H725Q, H751Q.
Identifiers: ClinVar variation 2982116 (VCV002982116.4), dbSNP rs1888447492, ClinGen allele CA389596781.

ClinVar aggregate classification (germline): Uncertain significance. Review status: criteria provided, multiple submitters, no conflicts (2 of 4 stars). 2 submissions from 2 submitters: Uncertain significance (2). Last evaluated 2025-04-06.

Conditions:
Inborn genetic diseases. Identifiers: MedGen C0950123, MeSH D030342.
Fanconi anemia (FA). Also called: Fanconi's anemia. Identifiers: Orphanet 84, MedGen C0015625, MeSH D005199, MONDO:0019391.

Allele frequency attached by ClinVar (database versions not stated): gnomAD exomes below 0.00001.
gnomAD v4.1: 1 of 1,613,368 alleles (0.000062%); highest among the groups gnomAD compares: Non-Finnish European, 0.000085%; no homozygotes.

Submissions (2):

Ambry Genetics
Classification: Uncertain significance for Inborn genetic diseases. Last evaluated: 2025-04-06. Review status: criteria provided, single submitter. Criteria: Ambry Variant Classification Scheme 2023. Collection method: clinical testing. Allele origin: germline.
Comment: The p.H751Q variant (also known as c.2253C>A), located in coding exon 13 of the FANCM gene, results from a C to A substitution at nucleotide position 2253. The histidine at codon 751 is replaced by glutamine, an amino acid with highly similar properties. This amino acid position is conserved. In addition, the in silico prediction for this alteration is inconclusive. Based on the available evidence, the clinical significance of this variant remains unclear.

Labcorp Genetics (formerly Invitae), Labcorp
Classification: Uncertain significance for Fanconi anemia. Last evaluated: 2023-06-05. Review status: criteria provided, single submitter. Criteria: Invitae Variant Classification Sherloc (09022015). Collection method: clinical testing. Allele origin: germline.
Comment: In summary, the available evidence is currently insufficient to determine the role of this variant in disease. Therefore, it has been classified as a Variant of Uncertain Significance. An algorithm developed to predict the effect of missense changes on protein structure and function (PolyPhen-2) suggests that this variant is likely to be disruptive. This variant has not been reported in the literature in individuals affected with FANCM-related conditions. This variant is not present in population databases (gnomAD no frequency). This sequence change replaces histidine, which is basic and polar, with glutamine, which is neutral and polar, at codon 751 of the FANCM protein (p.His751Gln).